The following is an entry in ClinVar:

ClinVar aggregate classification (germline): Likely benign (1 of 4 stars; one submission).

Allele frequency attached by ClinVar (database versions not stated): ExAC 0.00065; gnomAD exomes 0.00110; gnomAD 0.00221; 1000 Genomes Project 30x 0.00234.

Submission:

CeGaT Center for Human Genetics Tuebingen
Classification: Likely benign. Last evaluated: 2025-04-01. Review status: criteria provided, single submitter. Criteria: CeGaT Center For Human Genetics Tuebingen Variant Classification Criteria Version 2. Collection method: clinical testing. Allele origin: germline. Affected: yes. Observed: 3 variant alleles.
Comment: ANKRD36: BS2

NM_001354587.1(ANKRD36):c.2T>A (p.Met1Lys)

Genes: ANKRD36 (ankyrin repeat domain 36; plus strand), LOC129934384 (ATAC-STARR-seq lymphoblastoid active region 16237; plus strand). Cytogenetic location: 2q11.2.
Variant type: single nucleotide variant.
Coding change: c.2T>A on transcript NM_001354587.1 (MANE Select); coding-DNA position 2, T replaced by A.
Protein change: p.Met1Lys; changes the start codon (methionine 1).
Molecular consequence: missense variant, initiator codon variant.
Genome position (GRCh38, 1-based): chr2:97,113,741, T>A. VCF-style: chr2-97113741-T-A. GRCh37 (hg19) VCF-style: chr2-97779478-T-A.
Other names: c.2T>A, p.Met1Lys (NM_198555.4); short protein forms M1K.
Identifiers: ClinVar variation 2651155 (VCV002651155.24), dbSNP rs200032015, ClinGen allele CA1786413.